The following is an entry in ClinVar:

NM_018206.6(VPS35):c.89T>A (p.Met30Lys)

Gene: VPS35 (VPS35 retromer complex component; minus strand). Cytogenetic location: 16q11.2.
Variant type: single nucleotide variant.
Coding change: c.89T>A on transcript NM_018206.6 (MANE Select); coding-DNA position 89, T replaced by A.
Protein change: p.Met30Lys; replaces methionine 30 with lysine.
Molecular consequence: missense variant.
Genome position (GRCh38, 1-based): chr16:46,683,521, A>T on the plus strand (T>A on the coding strand, the complement: VPS35 is on the minus strand). VCF-style: chr16-46683521-A-T. GRCh37 (hg19) VCF-style: chr16-46717433-A-T.
Other names: short protein forms M30K.
Identifiers: ClinVar variation 319296 (VCV000319296.17), dbSNP rs145147781, ClinGen allele CA8037124.

ClinVar aggregate classification (germline): Uncertain significance. Review status: criteria provided, multiple submitters, no conflicts (2 of 4 stars). 3 submissions from 3 submitters: Uncertain significance (3). Last evaluated 2025-10-14.

Conditions:
Parkinson disease 17 (PARK17). Also called: VPS35-Related Parkinson Disease. Identifiers: Orphanet 411602, MedGen C3280133, MONDO:0013625, OMIM 614203.

Allele frequency attached by ClinVar (database versions not stated): gnomAD 0.00006 and 0.00024; ESP Exome Variant Server 0.00008; gnomAD exomes 0.00012; ExAC 0.00013; TOPMed 0.00032.
gnomAD v4.1: 319 of 1,613,614 alleles (0.02%); highest among the groups gnomAD compares: Non-Finnish European, 0.024%; no homozygotes.

Submissions (3):

Labcorp Genetics (formerly Invitae), Labcorp
Classification: Uncertain significance for Parkinson disease 17. Last evaluated: 2025-10-14. Review status: criteria provided, single submitter. Criteria: Invitae Variant Classification Sherloc (09022015). Collection method: clinical testing. Allele origin: germline.
Comment: This sequence change replaces methionine, which is neutral and non-polar, with lysine, which is basic and polar, at codon 30 of the VPS35 protein (p.Met30Lys). This variant is present in population databases (rs145147781, gnomAD 0.02%). This variant has not been reported in the literature in individuals affected with VPS35-related conditions. ClinVar contains an entry for this variant (Variation ID: 319296). Invitae Evidence Modeling of protein sequence and biophysical properties (such as structural, functional, and spatial information, amino acid conservation, physicochemical variation, residue mobility, and thermodynamic stability) indicates that this missense variant is expected to disrupt VPS35 protein function with a positive predictive value of 80%. In summary, the available evidence is currently insufficient to determine the role of this variant in disease. Therefore, it has been classified as a Variant of Uncertain Significance.

CeGaT Center for Human Genetics Tuebingen
Classification: Uncertain significance. Last evaluated: 2025-09-01. Review status: criteria provided, single submitter. Criteria: CeGaT Center For Human Genetics Tuebingen Variant Classification Criteria Version 2. Collection method: clinical testing. Allele origin: germline. Affected: yes. Observed: 1 variant allele.

Illumina Laboratory Services, Illumina
Classification: Uncertain significance for Parkinson disease 17. Last evaluated: 2018-01-13. Review status: criteria provided, single submitter. Criteria: ICSL Variant Classification Criteria 13 December 2019. Collection method: clinical testing. Allele origin: germline.